The following is an entry in ClinVar:

NM_001079866.2(BCS1L):c.628G>A (p.Asp210Asn)

Gene: BCS1L (BCS1 ubiquinol-cytochrome c reductase complex chaperone; plus strand). Cytogenetic location: 2q35.
Variant type: single nucleotide variant.
Coding change: c.628G>A on transcript NM_001079866.2 (MANE Select); coding-DNA position 628, G replaced by A.
Protein change: p.Asp210Asn; replaces aspartic acid 210 with asparagine.
Molecular consequence: missense variant. On other transcripts: non-coding transcript variant (1).
Genome position (GRCh38, 1-based): chr2:218,661,926, G>A. VCF-style: chr2-218661926-G-A. GRCh37 (hg19) VCF-style: chr2-219526649-G-A.
Other names: p.D210N:GAT>AAT; c.628G>A, p.Asp210Asn (NM_001257342.2, NM_001257343.2, NM_001257344.2 and 10 more transcripts); c.268G>A, p.Asp90Asn (NM_001318836.2, NM_001371451.1); c.127G>A, p.Asp43Asn (NM_001371452.1, NM_001371453.1, NM_001371454.1 and 3 more transcripts); short protein forms D210N, D90N, D43N.
Identifiers: ClinVar variation 136502 (VCV000136502.26), dbSNP rs58447305, ClinGen allele CA289666.
Genomic context (GRCh38, chr2:218,661,926, plus strand): 5'-TCTGTGGTTCTACAACAGGGTCTGGCTGACCGAATTGTCAGAGACGTCCAGGAATTCATC[G>A]ATAACCCCAAGTGGTACACTGACAGAGGTGAGAAGCAGCTGGGGTCTTGGCTGTGCTGTT-3'
Protein context (NP_001073335.1, residues 200-220): RIVRDVQEFI[Asp210Asn]NPKWYTDRGI

ClinVar aggregate classification (germline): Benign/Likely benign. Review status: criteria provided, multiple submitters, no conflicts (2 of 4 stars). 13 submissions from 9 submitters: Benign (7); Likely benign (4). 2 of the submissions do not count toward it. Last evaluated 2026-02-04.

Conditions:
GRACILE syndrome (FLNMS). Also called: FELLMAN SYNDROME; FINNISH LETHAL NEONATAL METABOLIC SYNDROME. Identifiers: Orphanet 53693, MedGen C1864002, MONDO:0011308, OMIM 603358.
Pili torti-deafness syndrome (BJS). Also called: Bjornstad syndrome; PILI TORTI AND NERVE DEAFNESS. Identifiers: Orphanet 123, MedGen C0266006, MONDO:0009872, OMIM 262000.
Leigh syndrome (NULS). Also called: Leigh Disease; Subacute necrotizing encephalopathy; Necrotizing encephalopathy infantile subacute of Leigh; Leigh Syndrome (mtDNA deletion); Leigh's syndrome; LEIGH SYNDROME, NUCLEAR. Identifiers: Orphanet 506, MedGen C2931891, MONDO:0009723, OMIM 256000.
Mitochondrial complex III deficiency nuclear type 1. Identifiers: Orphanet 254902, MedGen C3541471, MONDO:0007415, OMIM 124000.

Allele frequency attached by ClinVar (database versions not stated): ExAC 0.02170; TOPMed 0.06412; ESP Exome Variant Server 0.06497; 1000 Genomes Project 0.06789; 1000 Genomes Project 30x 0.07136.

Submissions (13):

Labcorp Genetics (formerly Invitae), Labcorp
Classification: Benign. Last evaluated: 2026-02-04. Review status: criteria provided, single submitter. Criteria: Invitae Variant Classification Sherloc (09022015). Collection method: clinical testing. Allele origin: germline.

Genome-Nilou Lab
Classification: Benign for Mitochondrial complex III deficiency nuclear type 1. Last evaluated: 2021-06-10. Review status: criteria provided, single submitter. Criteria: ACMG Guidelines, 2015. Collection method: clinical testing. Allele origin: germline. Affected: no.

Genome-Nilou Lab
Classification: Benign for Pili torti-deafness syndrome. Last evaluated: 2021-06-10. Review status: criteria provided, single submitter. Criteria: ACMG Guidelines, 2015. Collection method: clinical testing. Allele origin: germline. Affected: no.

Genome-Nilou Lab
Classification: Benign for GRACILE syndrome. Last evaluated: 2021-06-10. Review status: criteria provided, single submitter. Criteria: ACMG Guidelines, 2015. Collection method: clinical testing. Allele origin: germline. Affected: no.

Athena Diagnostics
Classification: Benign. Last evaluated: 2018-11-09. Review status: criteria provided, single submitter. Criteria: Athena Diagnostics Criteria. Collection method: clinical testing. Allele origin: germline.

Illumina Laboratory Services, Illumina
Classification: Likely benign for GRACILE syndrome. Last evaluated: 2017-04-27. Review status: criteria provided, single submitter. Criteria: ICSL Variant Classification Criteria 13 December 2019. Collection method: clinical testing. Allele origin: germline.
Comment: This variant was observed as part of a predisposition screen in an ostensibly healthy population. A literature search was performed for the gene, cDNA change, and amino acid change (where applicable). Publications were found based on this search. The evidence from the literature, in combination with allele frequency data from public databases where available, was sufficient to determine this variant is unlikely to cause disease. Therefore, this variant is classified as likely benign.

Illumina Laboratory Services, Illumina
Classification: Likely benign for Mitochondrial complex III deficiency nuclear type 1. Last evaluated: 2017-04-27. Review status: criteria provided, single submitter. Criteria: ICSL Variant Classification Criteria 13 December 2019. Collection method: clinical testing. Allele origin: germline.
Comment: the same text as in the submission from Illumina Laboratory Services, Illumina above.

Illumina Laboratory Services, Illumina
Classification: Likely benign for Leigh syndrome. Last evaluated: 2017-04-27. Review status: criteria provided, single submitter. Criteria: ICSL Variant Classification Criteria 13 December 2019. Collection method: clinical testing. Allele origin: germline.
Comment: the same text as in the submission from Illumina Laboratory Services, Illumina above.

Laboratory for Molecular Medicine, Mass General Brigham Personalized Medicine
Classification: Benign. Last evaluated: 2016-03-21. Review status: criteria provided, single submitter. Criteria: LMM Criteria. Collection method: clinical testing. Allele origin: germline. Observed: 18 variant alleles.
Comment: p.Asp210Asn in exon 5 of BCS1L: This variant is not expected to have clinical si gnificance because it has been identified in 23.75% (314/1322) of African chromo somes by the 1000 Genomes Project (Phase 3; dbSNP rs58447305).

GeneDx
Classification: Benign. Last evaluated: 2011-12-09. Review status: criteria provided, single submitter. Criteria: GeneDx Variant Classification (06012015). Collection method: clinical testing. Allele origin: germline. Affected: yes.
Comment: This variant is considered likely benign or benign based on one or more of the following criteria: it is a conservative change, it occurs at a poorly conserved position in the protein, it is predicted to be benign by multiple in silico algorithms, and/or has population frequency not consistent with disease.

Breakthrough Genomics
Classification: Likely benign. Review status: criteria provided, single submitter. Criteria: ACMG Guidelines, 2015. Collection method: not provided. Allele origin: germline. Inheritance: Autosomal recessive inheritance. Affected: yes.

Natera, Inc.
Classification: Benign for GRACILE syndrome. Last evaluated: 2020-09-16. Review status: no assertion criteria provided. Collection method: clinical testing. Allele origin: germline. Not counted in ClinVar's aggregate classification.

Mayo Clinic Laboratories, Mayo Clinic
Classification: Benign. Last evaluated: 2016-03-15. Review status: no assertion criteria provided. Collection method: clinical testing. Allele origin: unknown. Not counted in ClinVar's aggregate classification.

Literature cited by the submitters: PubMed 18771761 (cited by Illumina Laboratory Services, Illumina).